The following is an entry in ClinVar:

NM_014754.3(PTDSS1):c.517T>G (p.Phe173Val)

Gene: PTDSS1 (phosphatidylserine synthase 1; plus strand). Cytogenetic location: 8q22.1.
Variant type: single nucleotide variant.
Coding change: c.517T>G on transcript NM_014754.3 (MANE Select); coding-DNA position 517, T replaced by G.
Protein change: p.Phe173Val; replaces phenylalanine 173 with valine.
Molecular consequence: missense variant.
Genome position (GRCh38, 1-based): chr8:96,295,173, T>G. VCF-style: chr8-96295173-T-G. GRCh37 (hg19) VCF-style: chr8-97307401-T-G.
Other names: c.79T>G, p.Phe27Val (NM_001290225.2); short protein forms F27V, F173V.
Identifiers: ClinVar variation 3668929 (VCV003668929.2).

ClinVar aggregate classification (germline): Uncertain significance (1 of 4 stars; one submission).

Submission:

Labcorp Genetics (formerly Invitae), Labcorp
Classification: Uncertain significance. Last evaluated: 2024-09-28. Review status: criteria provided, single submitter. Criteria: Invitae Variant Classification Sherloc (09022015). Collection method: clinical testing. Allele origin: germline.
Comment: This sequence change replaces phenylalanine, which is neutral and non-polar, with valine, which is neutral and non-polar, at codon 173 of the PTDSS1 protein (p.Phe173Val). This variant is not present in population databases (gnomAD no frequency). This variant has not been reported in the literature in individuals affected with PTDSS1-related conditions. Invitae Evidence Modeling of protein sequence and biophysical properties (such as structural, functional, and spatial information, amino acid conservation, physicochemical variation, residue mobility, and thermodynamic stability) indicates that this missense variant is not expected to disrupt PTDSS1 protein function with a negative predictive value of 80%. In summary, the available evidence is currently insufficient to determine the role of this variant in disease. Therefore, it has been classified as a Variant of Uncertain Significance.